The following is an entry in ClinVar:

ClinVar aggregate classification (germline): Uncertain significance (1 of 4 stars; one submission).

Submission:

Labcorp Genetics (formerly Invitae), Labcorp
Classification: Uncertain significance. Last evaluated: 2021-11-12. Review status: criteria provided, single submitter. Criteria: Invitae Variant Classification Sherloc (09022015). Collection method: clinical testing. Allele origin: germline.
Comment: Algorithms developed to predict the effect of missense changes on protein structure and function are either unavailable or do not agree on the potential impact of this missense change (SIFT: "Deleterious"; PolyPhen-2: "Probably Damaging"; Align-GVGD: "Class C0"). This variant has not been reported in the literature in individuals affected with RIMS1-related conditions. This variant is not present in population databases (gnomAD no frequency). This sequence change replaces proline, which is neutral and non-polar, with serine, which is neutral and polar, at codon 478 of the RIMS1 protein (p.Pro478Ser). In summary, the available evidence is currently insufficient to determine the role of this variant in disease. Therefore, it has been classified as a Variant of Uncertain Significance.

NM_014989.7(RIMS1):c.1432C>T (p.Pro478Ser)

Gene: RIMS1 (regulating synaptic membrane exocytosis 1; plus strand). Cytogenetic location: 6q13.
Variant type: single nucleotide variant.
Coding change: c.1432C>T on transcript NM_014989.7 (MANE Select); coding-DNA position 1432, C replaced by T.
Protein change: p.Pro478Ser; replaces proline 478 with serine.
Molecular consequence: missense variant.
Genome position (GRCh38, 1-based): chr6:72,182,903, C>T. VCF-style: chr6-72182903-C-T. GRCh37 (hg19) VCF-style: chr6-72892606-C-T.
Other names: short protein forms P478S.
Identifiers: ClinVar variation 1392797 (VCV001392797.6), dbSNP rs764468029, ClinGen allele CA364821407.